The following is an entry in ClinVar:

NM_001242896.3(DEPDC5):c.302A>T (p.Glu101Val)

Gene: DEPDC5 (DEP domain containing 5, GATOR1 subcomplex subunit; plus strand). Cytogenetic location: 22q12.2.
Variant type: single nucleotide variant.
Coding change: c.302A>T on transcript NM_001242896.3 (MANE Select); coding-DNA position 302, A replaced by T.
Protein change: p.Glu101Val; replaces glutamic acid 101 with valine.
Molecular consequence: missense variant. On other transcripts: non-coding transcript variant (5), intron variant (2).
Genome position (GRCh38, 1-based): chr22:31,766,607, A>T. VCF-style: chr22-31766607-A-T. GRCh37 (hg19) VCF-style: chr22-32162593-A-T.
Other names: c.302A>T, p.Glu101Val (NM_001007188.4, NM_001136029.4, NM_001242897.2 and 7 more transcripts); c.279+1547A>T (NM_001369902.1, NM_001369901.1); short protein forms E101V.
Identifiers: ClinVar variation 1055521 (VCV001055521.11), dbSNP rs1395076142, ClinGen allele CA411282282.

ClinVar aggregate classification (germline): Uncertain significance. Review status: criteria provided, multiple submitters, no conflicts (2 of 4 stars). 2 submissions from 2 submitters: Uncertain significance (2). Last evaluated 2024-02-23.

Conditions:
Familial focal epilepsy with variable foci (FPEVF). Identifiers: Orphanet 98820, MedGen C1858477, MONDO:0020310.

Allele frequency attached by ClinVar (database versions not stated): gnomAD exomes below 0.00001; gnomAD 0.00001; TOPMed 0.00001.
gnomAD v4.1: 6 of 1,613,852 alleles (0.00037%); highest among the groups gnomAD compares: Non-Finnish European, 0.00051%; no homozygotes.

Submissions (2):

Labcorp Genetics (formerly Invitae), Labcorp
Classification: Uncertain significance for Familial focal epilepsy with variable foci. Last evaluated: 2024-02-23. Review status: criteria provided, single submitter. Criteria: Invitae Variant Classification Sherloc (09022015). Collection method: clinical testing. Allele origin: germline.
Comment: This sequence change replaces glutamic acid, which is acidic and polar, with valine, which is neutral and non-polar, at codon 101 of the DEPDC5 protein (p.Glu101Val). This variant is not present in population databases (gnomAD no frequency). This variant has not been reported in the literature in individuals affected with DEPDC5-related conditions. ClinVar contains an entry for this variant (Variation ID: 1055521). Experimental studies and prediction algorithms are not available or were not evaluated, and the functional significance of this variant is currently unknown. In summary, the available evidence is currently insufficient to determine the role of this variant in disease. Therefore, it has been classified as a Variant of Uncertain Significance.

GeneDx
Classification: Uncertain significance. Last evaluated: 2020-06-25. Review status: criteria provided, single submitter. Criteria: GeneDx Variant Classification Process June 2021. Collection method: clinical testing. Allele origin: germline. Affected: yes.
Comment: Not observed in large population cohorts (Lek et al., 2016); In silico analysis, which includes protein predictors and evolutionary conservation, supports a deleterious effect; Has not been previously published as pathogenic or benign to our knowledge